The following is an entry in ClinVar:

ClinVar aggregate classification (germline): Conflicting classifications of pathogenicity. Review status: criteria provided, conflicting classifications (1 of 4 stars). 2 submissions from 2 submitters: Likely pathogenic (1); Uncertain significance (1). Last evaluated 2026-05-18.

Conditions:
Developmental and epileptic encephalopathy 6B. Also called: Developmental and epileptic encephalopathy 6B, non-Dravet. Identifiers: MedGen C5543353, MONDO:0030268, OMIM 619317.
SCN1A-related disorder. Also called: SCN1A-related conditions; SCN1A-related condition; SCN1A-related disorders.

Submissions (2):

Institute of Human Genetics, University of Leipzig Medical Center
Classification: Uncertain significance for Developmental and epileptic encephalopathy 6B. Last evaluated: 2026-05-18. Review status: criteria provided, single submitter. Criteria: ACMG Guidelines, 2015. Collection method: clinical testing. Allele origin: unknown. Inheritance: Autosomal dominant inheritance. Affected: yes.
Comment: Criteria applied: PP3_MOD,PM2_SUP

Blueprint Genetics
Classification: Likely pathogenic for SCN1A-related disorders. Last evaluated: 2018-05-21. Review status: criteria provided, single submitter. Criteria: ACMG Guidelines, 2015. Collection method: clinical testing. Allele origin: germline. Affected: yes. Observed: 1 variant allele.

NM_001165963.4(SCN1A):c.1159C>T (p.Leu387Phe)

Gene: SCN1A (sodium voltage-gated channel alpha subunit 1; minus strand). Cytogenetic location: 2q24.3.
Variant type: single nucleotide variant.
Coding change: c.1159C>T on transcript NM_001165963.4 (MANE Select); coding-DNA position 1159, C replaced by T.
Protein change: p.Leu387Phe; replaces leucine 387 with phenylalanine.
Molecular consequence: missense variant. On other transcripts: 5 prime UTR variant (1), non-coding transcript variant (1).
Genome position (GRCh38, 1-based): chr2:166,047,638, G>A on the plus strand (C>T on the coding strand, the complement: SCN1A is on the minus strand). VCF-style: chr2-166047638-G-A. GRCh37 (hg19) VCF-style: chr2-166904148-G-A.
Other names: c.1159C>T, p.Leu387Phe (NM_001165964.3, NM_001202435.3, NM_001353948.2 and 10 more transcripts); c.-1267C>T (NM_001353961.2); short protein forms L387F.
Identifiers: ClinVar variation 4857448 (VCV004857448.2).